The following is an entry in ClinVar:

NM_025114.4(CEP290):c.4741C>T (p.Leu1581Phe)

Gene: CEP290 (centrosomal protein 290; minus strand). Cytogenetic location: 12q21.32.
Variant type: single nucleotide variant.
Coding change: c.4741C>T on transcript NM_025114.4 (MANE Select); coding-DNA position 4741, C replaced by T.
Protein change: p.Leu1581Phe; replaces leucine 1581 with phenylalanine.
Molecular consequence: missense variant.
Genome position (GRCh38, 1-based): chr12:88,083,918, G>A on the plus strand (C>T on the coding strand, the complement: CEP290 is on the minus strand). VCF-style: chr12-88083918-G-A. GRCh37 (hg19) VCF-style: chr12-88477695-G-A.
Other names: short protein forms L1581F.
Identifiers: ClinVar variation 210696 (VCV000210696.21), dbSNP rs11831931, ClinGen allele CA207196.
Genomic context (GRCh38, chr12:88,083,918, plus strand): 5'-GTTTGAATTTATTTAGTGAACTATCAGCCTGTAGTTCTAATCTGTGATGAAGAATATGAA[G>A]GTCTTCCTCATGTTTCTTCACAATTTCTCTTTGCTCCTGTTTTACAGAAAATCGAAACTA-3'
Protein context (NP_079390.3, residues 1571-1591): REIVKKHEED[Leu1581Phe]HILHHRLELQ

ClinVar aggregate classification (germline): Uncertain significance. Review status: criteria provided, multiple submitters, no conflicts (2 of 4 stars). 7 submissions from 7 submitters: Uncertain significance (6). 1 of the submissions does not count toward it. Last evaluated 2026-01-02.

Conditions:
CEP290-related disorder. Also called: CEP290-related condition; CEP290-related disorders. Identifiers: MedGen CN239314.
Inborn genetic diseases. Identifiers: MedGen C0950123, MeSH D030342.
Joubert syndrome. Also called: Familial aplasia of the vermis; JOUBERT-BOLTSHAUSER SYNDROME. Identifiers: Orphanet 475, MedGen C5979921, MONDO:0018772.
Meckel-Gruber syndrome. Also called: GRUBER SYNDROME; Dysencephalia splachnocystica; DYSENCEPHALIA SPLANCHNOCYSTICA. Identifiers: Orphanet 564, MedGen C0265215, MONDO:0018921.
Nephronophthisis. Also called: Juvenile Nephronophthisis. Identifiers: Orphanet 655, MedGen C0687120, MONDO:0019005, HP:0000090.
Leber congenital amaurosis 10 (LCA10). Identifiers: Orphanet 65, MedGen C1857821, MONDO:0012723, OMIM 611755.
Meckel syndrome, type 4 (MKS4). Also called: MECKEL-GRUBER SYNDROME, TYPE 4. Identifiers: Orphanet 564, MedGen C1970161, MONDO:0012626, OMIM 611134.
Senior-Loken syndrome 6 (SLSN6). Identifiers: Orphanet 3156, MedGen C1857779, MONDO:0012433, OMIM 610189.
Bardet-Biedl syndrome 14 (BBS14). Identifiers: Orphanet 110, MedGen C2673874, MONDO:0014442, OMIM 615991.
Joubert syndrome 5 (JBTS5). Identifiers: Orphanet 2318, MedGen C1857780, MONDO:0012432, OMIM 610188.
Leber congenital amaurosis (LCA). Also called: Leber's amaurosis. Identifiers: Orphanet 65, MedGen C0339527, MeSH D057130, MONDO:0018998.

Allele frequency attached by ClinVar (database versions not stated): gnomAD exomes 0.00001; ExAC 0.00003; gnomAD 0.00011; TOPMed 0.00012.
gnomAD v4.1: 27 of 1,596,772 alleles (0.0017%); highest among the groups gnomAD compares: African/African-American, 0.03%; no homozygotes.

Submissions (7):

Labcorp Genetics (formerly Invitae), Labcorp
Classification: Uncertain significance for Joubert syndrome; Meckel-Gruber syndrome; Nephronophthisis. Last evaluated: 2026-01-02. Review status: criteria provided, single submitter. Criteria: Invitae Variant Classification Sherloc (09022015). Collection method: clinical testing. Allele origin: germline.
Comment: This sequence change replaces leucine, which is neutral and non-polar, with phenylalanine, which is neutral and non-polar, at codon 1581 of the CEP290 protein (p.Leu1581Phe). This variant is present in population databases (rs11831931, gnomAD 0.01%). This variant has not been reported in the literature in individuals affected with CEP290-related conditions. ClinVar contains an entry for this variant (Variation ID: 210696). Invitae Evidence Modeling of protein sequence and biophysical properties (such as structural, functional, and spatial information, amino acid conservation, physicochemical variation, residue mobility, and thermodynamic stability) indicates that this missense variant is expected to disrupt CEP290 protein function with a positive predictive value of 80%. In summary, the available evidence is currently insufficient to determine the role of this variant in disease. Therefore, it has been classified as a Variant of Uncertain Significance.

PreventionGenetics, part of Exact Sciences
Classification: Uncertain significance for CEP290-related condition. Last evaluated: 2025-11-25. Review status: criteria provided, single submitter. Criteria: ACMG Guidelines, 2015. Collection method: clinical testing. Allele origin: germline.
Comment: The CEP290 c.4741C>T variant is predicted to result in the amino acid substitution p.Leu1581Phe. To our knowledge, this variant has not been reported in the literature. This variant is reported in 0.013% of alleles in individuals of African descent in gnomAD. At this time, the clinical significance of this variant is uncertain due to the absence of conclusive functional and genetic evidence.

Blueprint Genetics
Classification: Uncertain significance. Last evaluated: 2024-09-04. Review status: criteria provided, single submitter. Criteria: ACMG Guidelines, 2015. Collection method: clinical testing. Allele origin: germline.

Fulgent Genetics
Classification: Uncertain significance for Joubert syndrome 5; Senior-Loken syndrome 6; Meckel syndrome, type 4; Leber congenital amaurosis 10; Bardet-Biedl syndrome 14. Last evaluated: 2024-06-12. Review status: criteria provided, single submitter. Criteria: ACMG Guidelines, 2015. Collection method: clinical testing. Allele origin: germline.

Ambry Genetics
Classification: Uncertain significance for Inborn genetic diseases. Last evaluated: 2021-06-18. Review status: criteria provided, single submitter. Criteria: Ambry Variant Classification Scheme 2023. Collection method: clinical testing. Allele origin: germline.

Genetic Services Laboratory, University of Chicago
Classification: Uncertain significance. Last evaluated: 2015-04-14. Review status: criteria provided, single submitter. Criteria: ACMG Guidelines, 2015. Collection method: clinical testing. Allele origin: germline.

Natera, Inc.
Classification: Uncertain significance for Leber congenital amaurosis. Last evaluated: 2019-10-28. Review status: no assertion criteria provided. Collection method: clinical testing. Allele origin: germline. Not counted in ClinVar's aggregate classification.